The following is an entry in ClinVar:

NM_020163.3(SEMA3G):c.1939C>T (p.Arg647Cys)

Gene: SEMA3G (semaphorin 3G; minus strand). Cytogenetic location: 3p21.1.
Variant type: single nucleotide variant.
Coding change: c.1939C>T on transcript NM_020163.3 (MANE Select); coding-DNA position 1939, C replaced by T.
Protein change: p.Arg647Cys; replaces arginine 647 with cysteine.
Molecular consequence: missense variant.
Genome position (GRCh38, 1-based): chr3:52,436,013, G>A on the plus strand (C>T on the coding strand, the complement: SEMA3G is on the minus strand). VCF-style: chr3-52436013-G-A. GRCh37 (hg19) VCF-style: chr3-52470029-G-A.
Other names: short protein forms R647C.
Identifiers: ClinVar variation 3037108 (VCV003037108.3), dbSNP rs755167126, ClinGen allele CA2437756.

ClinVar aggregate classification (germline): Uncertain significance (1 of 4 stars; one submission).

Conditions:
SEMA3G-related disorder. Also called: SEMA3G-related condition.

Allele frequency attached by ClinVar (database versions not stated): TOPMed below 0.00001; ExAC 0.00001; gnomAD 0.00001; gnomAD exomes 0.00001.
gnomAD v4.1: 18 of 1,613,500 alleles (0.0011%); highest among the groups gnomAD compares: East Asian, 0.0089%; no homozygotes.

Submission:

PreventionGenetics, part of Exact Sciences
Classification: Uncertain significance for SEMA3G-related condition. Last evaluated: 2025-06-18. Review status: criteria provided, single submitter. Criteria: ACMG Guidelines, 2015. Collection method: clinical testing. Allele origin: germline.
Comment: The SEMA3G c.1939C>T variant is predicted to result in the amino acid substitution p.Arg647Cys. To our knowledge, this variant has not been reported in the literature. This variant is reported in 0.0029% of alleles in individuals of Latino descent in gnomAD. At this time, the clinical significance of this variant is uncertain due to the absence of conclusive functional and genetic evidence.